The following is an entry in ClinVar:

NM_003060.4(SLC22A5):c.475_476del (p.Ile159fs)

Gene: SLC22A5 (solute carrier family 22 member 5; plus strand). Cytogenetic location: 5q31.1.
Variant type: Deletion.
Coding change: c.475_476del on transcript NM_003060.4 (MANE Select); coding-DNA positions 475 to 476, 2 bases deleted (AT; older notation c.475_476delAT).
Protein change: p.Ile159fs; shifts the reading frame from isoleucine 159.
Molecular consequence: frameshift variant.
Genome position (GRCh38, 1-based): chr5:132,378,459-132,378,460, AT deleted. VCF-style (leftmost placement, unchanged base first): chr5-132378458-CAT-C. GRCh37 (hg19) VCF-style: chr5-131714150-CAT-C.
Other names: c.547_548del, p.Ile183fs (NM_001308122.2); short protein forms I159fs, I183fs.
Identifiers: ClinVar variation 1725835 (VCV001725835.2), dbSNP rs2532106745, ClinGen allele CA2580072635.

ClinVar aggregate classification (germline): Likely pathogenic (1 of 4 stars; one submission).

Conditions:
Renal carnitine transport defect (CDSP). Also called: CARNITINE DEFICIENCY, SYSTEMIC, DUE TO DEFECT IN RENAL REABSORPTION OF CARNITINE; CARNITINE TRANSPORTER, PLASMA-MEMBRANE, DEFICIENCY OF; CARNITINE UPTAKE DEFECT; Carnitine Deficiency, Systemic; Primary carnitine deficiency; Systemic primary carnitine deficiency. Identifiers: Orphanet 158, MedGen C0342788, MONDO:0008919, OMIM 212140.

Submission:

Myriad Genetics, Inc.
Classification: Likely pathogenic for Renal carnitine transport defect. Last evaluated: 2022-04-02. Review status: criteria provided, single submitter. Criteria: Myriad Women's Health Autosomal Recessive and X-Linked Classification Criteria (2021). Collection method: clinical testing. Allele origin: unknown.
Comment: NM_003060.3(SLC22A5):c.475_476delAT(I159Ffs*35) is expected to be pathogenic in the context of primary carnitine deficiency. This variant is predicted to lead to an abnormal or absent protein product due to the creation of a premature termination codon in SLC22A5, a gene where loss-of-function variants are known to be pathogenic. Please note: this variant was assessed in the context of healthy population screening.